The following is an entry in ClinVar:

ClinVar aggregate classification (germline): Pathogenic. Review status: criteria provided, multiple submitters, no conflicts (2 of 4 stars). 2 submissions from 2 submitters: Pathogenic (2). Last evaluated 2025-08-13.

Conditions:
Hereditary angioedema type 1 (HAE1). Identifiers: Orphanet 100050, Orphanet 100051, Orphanet 91378, MedGen C2717906, MONDO:0015053, OMIM 106100.

Submissions (2):

Labcorp Genetics (formerly Invitae), Labcorp
Classification: Pathogenic. Last evaluated: 2025-08-13. Review status: criteria provided, single submitter. Criteria: Invitae Variant Classification Sherloc (09022015). Collection method: clinical testing. Allele origin: germline.
Comment: This sequence change creates a premature translational stop signal (p.Glu451Argfs*22) in the SERPING1 gene. While this is not anticipated to result in nonsense mediated decay, it is expected to disrupt the last 50 amino acid(s) of the SERPING1 protein. This variant is not present in population databases (gnomAD no frequency). This premature translational stop signal has been observed in individual(s) with hereditary angioedema (PMID: 12402344). ClinVar contains an entry for this variant (Variation ID: 3391112). This variant disrupts a region of the SERPING1 protein in which other variant(s) (p.Arg494Gln) have been determined to be pathogenic (PMID: 18586324). This suggests that this is a clinically significant region of the protein, and that variants that disrupt it are likely to be disease-causing. For these reasons, this variant has been classified as Pathogenic.

Genomic Medicine Center of Excellence, King Faisal Specialist Hospital and Research Centre
Classification: Pathogenic for Hereditary angioedema type 1. Last evaluated: 2024-12-18. Review status: criteria provided, single submitter. Criteria: ACMG Guidelines, 2015. Collection method: clinical testing. Allele origin: germline.

Literature cited by the submitters: PubMed 12402344 (cited by Labcorp Genetics (formerly Invitae), Labcorp); PubMed 18586324 (cited by Labcorp Genetics (formerly Invitae), Labcorp).

NM_000062.3(SERPING1):c.1350dup (p.Glu451fs)

Gene: SERPING1 (serpin family G member 1; plus strand). Cytogenetic location: 11q12.1.
Variant type: Duplication.
Coding change: c.1350dup on transcript NM_000062.3 (MANE Select); coding-DNA position 1350, one base duplicated (A; older notation c.1350dupA).
Protein change: p.Glu451fs; shifts the reading frame from glutamic acid 451.
Molecular consequence: frameshift variant.
Genome position (GRCh38, 1-based): chr11:57,614,428, A duplicated. VCF-style (leftmost placement, unchanged base first): chr11-57614427-C-CA. GRCh37 (hg19) VCF-style: chr11-57381900-C-CA.
Other names: c.1350dup, p.Glu451fs (NM_001032295.2); short protein forms E451fs.
Identifiers: ClinVar variation 3391112 (VCV003391112.2).